The following is an entry in ClinVar:

ClinVar aggregate classification (germline): Uncertain significance (1 of 4 stars; one submission).

Submission:

GeneDx
Classification: Uncertain significance. Last evaluated: 2025-04-15. Review status: criteria provided, single submitter. Criteria: GeneDx Variant Classification Process June 2021. Collection method: clinical testing. Allele origin: germline. Affected: yes.
Comment: Not observed at significant frequency in large population cohorts (gnomAD); In silico analysis supports that this missense variant has a deleterious effect on protein structure/function; Has not been previously published as pathogenic or benign to our knowledge

NM_181882.3(PRX):c.2708T>C (p.Ile903Thr)

Gene: PRX (periaxin; minus strand). Cytogenetic location: 19q13.2.
Variant type: single nucleotide variant.
Coding change: c.2708T>C on transcript NM_181882.3 (MANE Select); coding-DNA position 2708, T replaced by C.
Protein change: p.Ile903Thr; replaces isoleucine 903 with threonine.
Molecular consequence: missense variant. On other transcripts: 3 prime UTR variant (1).
Genome position (GRCh38, 1-based): chr19:40,395,644, A>G on the plus strand (T>C on the coding strand, the complement: PRX is on the minus strand). VCF-style: chr19-40395644-A-G. GRCh37 (hg19) VCF-style: chr19-40901551-A-G.
Other names: c.2993T>C, p.Ile998Thr (NM_001411127.1); c.*2913T>C (NM_020956.2); short protein forms I903T, I998T.
Identifiers: ClinVar variation 4282066 (VCV004282066.1).